The following is an entry in ClinVar:

ClinVar aggregate classification (germline): Uncertain significance (1 of 4 stars; one submission).

Conditions:
Left ventricular noncompaction 1 (LVNC1). Also called: LEFT VENTRICULAR NONCOMPACTION 1 WITH OR WITHOUT CONGENITAL HEART DEFECTS. Identifiers: Orphanet 54260, MedGen C1858725, MONDO:0011403, OMIM 604169.

Allele frequency attached by ClinVar (database versions not stated): TOPMed below 0.00001; ExAC 0.00001.
gnomAD v4.1: 3 of 1,614,208 alleles (0.00019%); highest among the groups gnomAD compares: South Asian, 0.0033%; no homozygotes.

Submission:

Labcorp Genetics (formerly Invitae), Labcorp
Classification: Uncertain significance for Left ventricular noncompaction 1. Last evaluated: 2023-04-06. Review status: criteria provided, single submitter. Criteria: Invitae Variant Classification Sherloc (09022015). Collection method: clinical testing. Allele origin: germline.
Comment: In summary, the available evidence is currently insufficient to determine the role of this variant in disease. Therefore, it has been classified as a Variant of Uncertain Significance. This sequence change replaces arginine, which is basic and polar, with glycine, which is neutral and non-polar, at codon 571 of the DTNA protein (p.Arg571Gly). This variant is present in population databases (rs781679429, gnomAD 0.003%). This variant has not been reported in the literature in individuals affected with DTNA-related conditions. An algorithm developed to predict the effect of missense changes on protein structure and function (PolyPhen-2) suggests that this variant is likely to be tolerated.

NM_001386795.1(DTNA):c.1792A>G (p.Arg598Gly)

Gene: DTNA (dystrobrevin alpha; plus strand). Cytogenetic location: 18q12.1.
Variant type: single nucleotide variant.
Coding change: c.1792A>G on transcript NM_001386795.1 (MANE Select); coding-DNA position 1792, A replaced by G.
Protein change: p.Arg598Gly; replaces arginine 598 with glycine.
Molecular consequence: missense variant.
Genome position (GRCh38, 1-based): chr18:34,875,287, A>G. VCF-style: chr18-34875287-A-G. GRCh37 (hg19) VCF-style: chr18-32455251-A-G.
Other names: c.1540A>G, p.Arg514Gly (NM_032975.4, NM_001386761.1); c.655A>G, p.Arg219Gly (NM_032980.4); c.1531A>G, p.Arg511Gly (NM_001198938.2, NM_001198940.2, NM_001386753.1 and 5 more transcripts); c.1552A>G, p.Arg518Gly (NM_001198939.2); c.838A>G, p.Arg280Gly (NM_001198942.1); c.781A>G, p.Arg261Gly (NM_001198943.1); c.667A>G, p.Arg223Gly (NM_001198944.1); c.1621A>G, p.Arg541Gly (NM_001386754.1, NM_001386755.1, NM_001386756.1 and 3 more transcripts); and 5 more; short protein forms R219G, R223G, R510G, R511G, R571G, R261G, R513G, R541G.
Identifiers: ClinVar variation 2852629 (VCV002852629.3), dbSNP rs781679429, ClinGen allele CA8935849.